The following is an entry in ClinVar:

ClinVar aggregate classification (germline): Uncertain significance (1 of 4 stars; one submission).

gnomAD v4.1: 2 of 1,608,704 alleles (0.00012%); highest among the groups gnomAD compares: Admixed American, 0.0017%; no homozygotes.

Submission:

GeneDx
Classification: Uncertain significance. Last evaluated: 2023-05-16. Review status: criteria provided, single submitter. Criteria: GeneDx Variant Classification Process June 2021. Collection method: clinical testing. Allele origin: germline. Affected: yes.
Comment: Not observed at significant frequency in large population cohorts (gnomAD); In silico analysis supports that this missense variant does not alter protein structure/function; Has not been previously published as pathogenic or benign to our knowledge

NM_014159.7(SETD2):c.6968A>T (p.Tyr2323Phe)

Gene: SETD2 (SET domain containing 2, histone lysine methyltransferase; minus strand). Cytogenetic location: 3p21.31.
Variant type: single nucleotide variant.
Coding change: c.6968A>T on transcript NM_014159.7 (MANE Select); coding-DNA position 6968, A replaced by T.
Protein change: p.Tyr2323Phe; replaces tyrosine 2323 with phenylalanine.
Molecular consequence: missense variant. On other transcripts: non-coding transcript variant (1).
Genome position (GRCh38, 1-based): chr3:47,046,617, T>A on the plus strand (A>T on the coding strand, the complement: SETD2 is on the minus strand). VCF-style: chr3-47046617-T-A. GRCh37 (hg19) VCF-style: chr3-47088107-T-A.
Other names: c.6836A>T, p.Tyr2279Phe (NM_001349370.3); short protein forms Y2279F, Y2323F.
Identifiers: ClinVar variation 3343436 (VCV003343436.1).